The following is an entry in ClinVar:

NM_000101.4(CYBA):c.433G>T (p.Gly145Ter)

Gene: CYBA (cytochrome b-245 alpha chain; minus strand). Cytogenetic location: 16q24.2.
Variant type: single nucleotide variant.
Coding change: c.433G>T on transcript NM_000101.4 (MANE Select); coding-DNA position 433, G replaced by T.
Protein change: p.Gly145Ter; replaces glycine 145 with a stop codon.
Molecular consequence: nonsense.
Genome position (GRCh38, 1-based): chr16:88,643,508, C>A on the plus strand (G>T on the coding strand, the complement: CYBA is on the minus strand). VCF-style: chr16-88643508-C-A. GRCh37 (hg19) VCF-style: chr16-88709916-C-A.
Other names: short protein forms G145*.
Identifiers: ClinVar variation 3640816 (VCV003640816.2).

ClinVar aggregate classification (germline): Pathogenic (1 of 4 stars; one submission).

Conditions:
Granulomatous disease, chronic, autosomal recessive, cytochrome b-negative. Also called: CGD DUE TO DEFICIENCY OF THE ALPHA SUBUNIT OF CYTOCHROME b; CGD, AUTOSOMAL RECESSIVE CYTOCHROME b-NEGATIVE; CYBA DEFICIENCY; GRANULOMATOUS DISEASE, CHRONIC, AUTOSOMAL RECESSIVE, 4; Chronic granulomatous disease, autosomal, due to deficiency of CYBA. Identifiers: Orphanet 379, MedGen C1856255, MONDO:0009308, OMIM 233690.

Submission:

Labcorp Genetics (formerly Invitae), Labcorp
Classification: Pathogenic for Granulomatous disease, chronic, autosomal recessive, cytochrome b-negative. Last evaluated: 2024-02-14. Review status: criteria provided, single submitter. Criteria: Invitae Variant Classification Sherloc (09022015). Collection method: clinical testing. Allele origin: germline.
Comment: This sequence change creates a premature translational stop signal (p.Gly145*) in the CYBA gene. While this is not anticipated to result in nonsense mediated decay, it is expected to disrupt the last 51 amino acid(s) of the CYBA protein. This variant is not present in population databases (gnomAD no frequency). This variant has not been reported in the literature in individuals affected with CYBA-related conditions. Algorithms developed to predict the effect of sequence changes on RNA splicing suggest that this variant may disrupt the consensus splice site. This variant disrupts a region of the CYBA protein in which other variant(s) (p.Pro160Alafs*27) have been determined to be pathogenic (PMID: 20167518, 34547651; Invitae; external communication). This suggests that this is a clinically significant region of the protein, and that variants that disrupt it are likely to be disease-causing. For these reasons, this variant has been classified as Pathogenic.

Literature cited by the submitters: PubMed 20167518; PubMed 34547651.